The following is an entry in ClinVar:

NM_002577.4(PAK2):c.804C>G (p.Asp268Glu)

Gene: PAK2 (p21 (RAC1) activated kinase 2; plus strand). Cytogenetic location: 3q29.
Variant type: single nucleotide variant.
Coding change: c.804C>G on transcript NM_002577.4 (MANE Select); coding-DNA position 804, C replaced by G.
Protein change: p.Asp268Glu; replaces aspartic acid 268 with glutamic acid.
Molecular consequence: missense variant.
Genome position (GRCh38, 1-based): chr3:196,812,249, C>G. VCF-style: chr3-196812249-C-G. GRCh37 (hg19) VCF-style: chr3-196539120-C-G.
Other names: short protein forms D268E.
Identifiers: ClinVar variation 4861463 (VCV004861463.1).

ClinVar aggregate classification (germline): Uncertain significance (1 of 4 stars; one submission).

gnomAD v4.1: 2 of 1,589,096 alleles (0.00013%); highest among the groups gnomAD compares: Non-Finnish European, 0.00017%; no homozygotes.

Submission:

Ambry Genetics
Classification: Uncertain significance. Last evaluated: 2026-04-06. Review status: criteria provided, single submitter. Criteria: Ambry Variant Classification Scheme 2023. Collection method: clinical testing. Allele origin: germline.
Comment: The c.804C>G (p.D268E) alteration is located in exon 9 (coding exon 8) of the PAK2 gene. This alteration results from a C to G substitution at nucleotide position 804, causing the aspartic acid (D) at amino acid position 268 to be replaced by a glutamic acid (E). Based on data from gnomAD, the G allele has an overall frequency of 0.003% (1/31394) total alleles studied. The highest observed frequency was 0.007% (1/15424) of European (non-Finnish) alleles. Based on insufficient or conflicting evidence, the clinical significance of this alteration remains unclear.